The following is an entry in ClinVar:

NM_001082538.3(TCTN1):c.219C>G (p.Asp73Glu)

Gene: TCTN1 (tectonic family member 1; plus strand). Cytogenetic location: 12q24.11.
Variant type: single nucleotide variant.
Coding change: c.219C>G on transcript NM_001082538.3 (MANE Select); coding-DNA position 219, C replaced by G.
Protein change: p.Asp73Glu; replaces aspartic acid 73 with glutamic acid.
Molecular consequence: missense variant. On other transcripts: 5 prime UTR variant (4), non-coding transcript variant (1).
Genome position (GRCh38, 1-based): chr12:110,614,401, C>G. VCF-style: chr12-110614401-C-G. GRCh37 (hg19) VCF-style: chr12-111052206-C-G.
Other names: c.219C>G, p.Asp73Glu (NM_001082537.3, NM_001319680.2, NM_024549.6); c.-11C>G (NM_001173975.3, NM_001319682.3); c.-38C>G (NM_001173976.2); c.-489C>G (NM_001319681.2); short protein forms D73E.
Identifiers: ClinVar variation 838749 (VCV000838749.10), dbSNP rs748298895, ClinGen allele CA6786471.

ClinVar aggregate classification (germline): Uncertain significance (1 of 4 stars; one submission).

Conditions:
Meckel-Gruber syndrome. Also called: DYSENCEPHALIA SPLANCHNOCYSTICA; GRUBER SYNDROME; Dysencephalia splachnocystica. Identifiers: Orphanet 564, MedGen C0265215, MONDO:0018921.
Joubert syndrome. Also called: CEREBELLOPARENCHYMAL DISORDER IV; JOUBERT-BOLTSHAUSER SYNDROME; Familial aplasia of the vermis. Identifiers: Orphanet 475, MedGen C5979921, MONDO:0018772.

Allele frequency attached by ClinVar (database versions not stated): gnomAD exomes 0.00001; ExAC 0.00005.
gnomAD v4.1: 7 of 1,593,366 alleles (0.00044%); highest among the groups gnomAD compares: South Asian, 0.0068%; no homozygotes.

Submission:

Labcorp Genetics (formerly Invitae), Labcorp
Classification: Uncertain significance for Joubert syndrome; Meckel-Gruber syndrome. Last evaluated: 2025-03-04. Review status: criteria provided, single submitter. Criteria: Invitae Variant Classification Sherloc (09022015). Collection method: clinical testing. Allele origin: germline.
Comment: This sequence change replaces aspartic acid, which is acidic and polar, with glutamic acid, which is acidic and polar, at codon 73 of the TCTN1 protein (p.Asp73Glu). This variant is present in population databases (rs748298895, gnomAD 0.007%). This missense change has been observed in individual(s) with clinical features of TCTN1-related conditions (internal data). ClinVar contains an entry for this variant (Variation ID: 838749). An algorithm developed to predict the effect of missense changes on protein structure and function (PolyPhen-2) suggests that this variant is likely to be disruptive. In summary, the available evidence is currently insufficient to determine the role of this variant in disease. Therefore, it has been classified as a Variant of Uncertain Significance.